The following is an entry in ClinVar:

ClinVar aggregate classification (germline): Likely benign (1 of 4 stars; one submission).

gnomAD v4.1: 1 of 1,608,486 alleles (0.000062%); highest among the groups gnomAD compares: Non-Finnish European, 0.000085%; no homozygotes.

Submission:

Mayo Clinic Laboratories, Mayo Clinic
Classification: Likely benign. Last evaluated: 2025-05-20. Review status: criteria provided, single submitter. Criteria: ACMG Guidelines, 2015. Collection method: clinical testing. Allele origin: germline. Observed: 1 variant allele.
Comment: BP4, BP7, PM2_supporting

NM_001009944.3(PKD1):c.10971C>G (p.Ala3657=)

Genes: PKD1 (polycystin 1, transient receptor potential channel interacting; minus strand), PKD1-AS1 (PKD1 antisense RNA 1; plus strand). Cytogenetic location: 16p13.3.
Variant type: single nucleotide variant.
Coding change: c.10971C>G on transcript NM_001009944.3 (MANE Select); coding-DNA position 10971, C replaced by G.
Protein change: p.Ala3657=; no amino-acid change (alanine 3657 retained).
Molecular consequence: synonymous variant.
Genome position (GRCh38, 1-based): chr16:2,093,589, G>C on the plus strand (C>G on the coding strand, the complement: PKD1 is on the minus strand). VCF-style: chr16-2093589-G-C. GRCh37 (hg19) VCF-style: chr16-2143590-G-C.
Other names: p.Ala3657=; c.10968C>G, p.Ala3656= (NM_000296.4).
Identifiers: ClinVar variation 4684043 (VCV004684043.1).